The following is an entry in ClinVar:

NM_001161352.2(KCNMA1):c.1831G>A (p.Val611Met)

Gene: KCNMA1 (potassium calcium-activated channel subfamily M alpha 1; minus strand). Cytogenetic location: 10q22.3.
Variant type: single nucleotide variant.
Coding change: c.1831G>A on transcript NM_001161352.2 (MANE Select); coding-DNA position 1831, G replaced by A.
Protein change: p.Val611Met; replaces valine 611 with methionine.
Molecular consequence: missense variant.
Genome position (GRCh38, 1-based): chr10:77,039,556, C>T on the plus strand (G>A on the coding strand, the complement: KCNMA1 is on the minus strand). VCF-style: chr10-77039556-C-T. GRCh37 (hg19) VCF-style: chr10-78799314-C-T.
Other names: c.1831G>A, p.Val611Met (NM_001014797.3, NM_001161353.2, NM_001271519.2 and 7 more transcripts); c.1669G>A, p.Val557Met (NM_001271518.2); c.1291G>A, p.Val431Met (NM_001322838.2); short protein forms V431M, V557M, V611M.
Identifiers: ClinVar variation 665441 (VCV000665441.9), dbSNP rs200668674, ClinGen allele CA5568339.

ClinVar aggregate classification (germline): Uncertain significance (1 of 4 stars; one submission).

Conditions:
Generalized epilepsy-paroxysmal dyskinesia syndrome (PNKD3). Also called: Generalized epilepsy and paroxysmal dyskinesia; Paroxysmal nonkinesigenic dyskinesia, 3, with or without generalized epilepsy. Identifiers: Orphanet 79137, MedGen C5574945, MONDO:0012276, OMIM 609446.

Allele frequency attached by ClinVar (database versions not stated): ExAC 0.00001; gnomAD exomes 0.00001; gnomAD 0.00003.
gnomAD v4.1: 16 of 1,610,264 alleles (0.00099%); highest among the groups gnomAD compares: East Asian, 0.0022%; no homozygotes.

Submission:

Labcorp Genetics (formerly Invitae), Labcorp
Classification: Uncertain significance for Generalized epilepsy-paroxysmal dyskinesia syndrome. Last evaluated: 2024-08-29. Review status: criteria provided, single submitter. Criteria: Invitae Variant Classification Sherloc (09022015). Collection method: clinical testing. Allele origin: germline.
Comment: This sequence change replaces valine, which is neutral and non-polar, with methionine, which is neutral and non-polar, at codon 611 of the KCNMA1 protein (p.Val611Met). This variant is present in population databases (rs200668674, gnomAD 0.005%). This variant has not been reported in the literature in individuals affected with KCNMA1-related conditions. ClinVar contains an entry for this variant (Variation ID: 665441). Invitae Evidence Modeling of protein sequence and biophysical properties (such as structural, functional, and spatial information, amino acid conservation, physicochemical variation, residue mobility, and thermodynamic stability) indicates that this missense variant is not expected to disrupt KCNMA1 protein function with a negative predictive value of 80%. In summary, the available evidence is currently insufficient to determine the role of this variant in disease. Therefore, it has been classified as a Variant of Uncertain Significance.